The following is an entry in ClinVar:

NM_004371.4(COPA):c.1432C>T (p.Gln478Ter)

Gene: COPA (coat protein complex I subunit alpha; minus strand). Cytogenetic location: 1q23.2.
Variant type: single nucleotide variant.
Coding change: c.1432C>T on transcript NM_004371.4 (MANE Select); coding-DNA position 1432, C replaced by T.
Protein change: p.Gln478Ter; replaces glutamine 478 with a stop codon.
Molecular consequence: nonsense.
Genome position (GRCh38, 1-based): chr1:160,306,364, G>A on the plus strand (C>T on the coding strand, the complement: COPA is on the minus strand). VCF-style: chr1-160306364-G-A. GRCh37 (hg19) VCF-style: chr1-160276154-G-A.
Other names: c.1432C>T, p.Gln478Ter (NM_001098398.2); short protein forms Q478*.
Identifiers: ClinVar variation 3662706 (VCV003662706.2).
Genomic context (GRCh38, chr1:160,306,364, plus strand): 5'-CACTCTCCCCAACTACAGGGCTGTCTGCTTAGGGGCACCTGATATGTTACCGCTTCTGCT[G>A]TACGTCAAAGAGTGTGATAGAGTCCGCATCTCGAAGCAGGAGATTGCCTGTGCCAGCATA-3'

ClinVar aggregate classification (germline): Uncertain significance (1 of 4 stars; one submission).

Conditions:
Autoimmune interstitial lung disease-arthritis syndrome. Also called: Autoinflammation and autoimmunity, systemic, with immune dysregulation. Identifiers: Orphanet 444092, MedGen C5975714, MONDO:0014629.

Submission:

Labcorp Genetics (formerly Invitae), Labcorp
Classification: Uncertain significance for Autoimmune interstitial lung disease-arthritis syndrome. Last evaluated: 2024-08-17. Review status: criteria provided, single submitter. Criteria: Invitae Variant Classification Sherloc (09022015). Collection method: clinical testing. Allele origin: germline.
Comment: This sequence change creates a premature translational stop signal (p.Gln478*) in the COPA gene. It is expected to result in an absent or disrupted protein product. However, the current clinical and genetic evidence is not sufficient to establish whether loss-of-function variants in COPA cause disease. This variant is not present in population databases (gnomAD no frequency). This variant has not been reported in the literature in individuals affected with COPA-related conditions. In summary, the available evidence is currently insufficient to determine the role of this variant in disease. Therefore, it has been classified as a Variant of Uncertain Significance.